The following is an entry in ClinVar:

NM_001126108.2(SLC12A3):c.2902C>T (p.Arg968Ter)

Gene: SLC12A3 (solute carrier family 12 member 3; plus strand). Cytogenetic location: 16q13.
Variant type: single nucleotide variant.
Coding change: c.2902C>T on transcript NM_001126108.2 (MANE Select); coding-DNA position 2902, C replaced by T.
Protein change: p.Arg968Ter; replaces arginine 968 with a stop codon.
Molecular consequence: nonsense.
Genome position (GRCh38, 1-based): chr16:56,904,440, C>T. VCF-style: chr16-56904440-C-T. GRCh37 (hg19) VCF-style: chr16-56938352-C-T.
Other names: c.2929C>T, p.Arg977Ter (NM_000339.3); c.2926C>T, p.Arg976Ter (NM_001126107.2); c.2929C>T (NM_000339.2); short protein forms R968*, R976*, R977*.
Identifiers: ClinVar variation 1075649 (VCV001075649.16), dbSNP rs765609579, ClinGen allele CA8070141.

ClinVar aggregate classification (germline): Pathogenic/Likely pathogenic. Review status: criteria provided, multiple submitters, no conflicts (2 of 4 stars). 5 submissions from 5 submitters: Pathogenic (4); Likely pathogenic (1). Last evaluated 2026-08-16.

Conditions:
SLC12A3-related disorder. Also called: SLC12A3-related condition.
Renal tubulopathies.
Familial hypokalemia-hypomagnesemia (GTLMNS). Also called: POTASSIUM AND MAGNESIUM DEPLETION; gitelman syndrome; HYPOMAGNESEMIA-HYPOKALEMIA, PRIMARY RENOTUBULAR, WITH HYPOCALCIURIA. Identifiers: Orphanet 358, MedGen C0268450, MONDO:0009904, OMIM 263800.

gnomAD v4.1: 15 of 1,613,762 alleles (0.00093%); highest among the groups gnomAD compares: Non-Finnish European, 0.0011%; no homozygotes.

Submissions (5):

Genetics Laboratory, Great Ormond Street Hospital NHS Foundation Trust, North Thames Genomic Laboratory Hub
Classification: Pathogenic for Renal tubulopathies. Last evaluated: 2026-08-16. Review status: criteria provided, single submitter. Criteria: ACGS Best Practice Guidelines for Variant Classification in Rare Disease 2024 v1.2. Collection method: clinical testing. Allele origin: germline. Affected: yes.
Comment: PM2_moderate, PVS1_strong, PM3_strong

3billion
Classification: Likely pathogenic for SLC12A3-related disorder. Last evaluated: 2025-12-11. Review status: criteria provided, single submitter. Criteria: ACMG Guidelines, 2015. Collection method: clinical testing. Allele origin: germline. Affected: yes.
Comment: The variant is observed at an extremely low frequency in the gnomAD v4.1.0 dataset (total allele frequency: <0.001%). Predicted Consequence/Location: Stop-gained (nonsense): predicted to result in a loss or disruption of normal protein function through protein truncation. The predicted truncated protein may be shortened by less than 10%. The variant has been reported to be in trans with a pathogenic variant as either compound heterozygous or homozygous in at least one similarly affected unrelated individual (PMID: 9734597). The variant has been reported to be associated with SLC12A3-related disorder (ClinVar ID: VCV001075649 /PMID: 8528245 /3billion dataset). Therefore, this variant is classified as Likely pathogenic according to the recommendation of ACMG/AMP guideline.

Labcorp Genetics (formerly Invitae), Labcorp
Classification: Pathogenic. Last evaluated: 2025-12-11. Review status: criteria provided, single submitter. Criteria: Invitae Variant Classification Sherloc (09022015). Collection method: clinical testing. Allele origin: germline.
Comment: This sequence change creates a premature translational stop signal (p.Arg977*) in the SLC12A3 gene. While this is not anticipated to result in nonsense mediated decay, it is expected to disrupt the last 54 amino acid(s) of the SLC12A3 protein. This variant is present in population databases (rs765609579, gnomAD 0.003%). This premature translational stop signal has been observed in individual(s) with Gitelman syndrome (PMID: 8528245, 9734597). In at least one individual the data is consistent with being in trans (on the opposite chromosome) from a pathogenic variant. It has also been observed to segregate with disease in related individuals. This variant is also known as 2927C>T (Arg968Stop). ClinVar contains an entry for this variant (Variation ID: 1075649). Experimental studies and prediction algorithms are not available or were not evaluated, and the functional significance of this variant is currently unknown. This variant disrupts a region of the SLC12A3 protein in which other variant(s) (p.Arg1018*) have been determined to be pathogenic (PMID: 12911530, 26770037, 29942493). This suggests that this is a clinically significant region of the protein, and that variants that disrupt it are likely to be disease-causing. For these reasons, this variant has been classified as Pathogenic.

Natera, Inc.
Classification: Pathogenic for Gitelman syndrome. Last evaluated: 2025-03-06. Review status: criteria provided, single submitter. Criteria: Natera Variant Classification Schema (03/2026). Collection method: clinical testing. Allele origin: germline.
Comment: The c.2929C>T variant in SLC12A3 is a nonsense variant predicted to introduce a stop codon at amino acid 977. This variant is expected to result in nonsense mediated decay, truncation, or a dysfunctional protein product. This variant is rare in the general population with a frequency below the threshold expected for the associated phenotype(s). This variant has been observed in one or more individuals affected with the associated recessive disease, as either homozygous or compound heterozygous with a second variant (PMID: 22009145, 21415153, 8865231). Additionally, this variant has been observed to segregate in affected family members (PMID: 8865231). Given the available evidence, this variant is classified as Pathogenic.

Juno Genomics, Hangzhou Juno Genomics, Inc
Classification: Pathogenic for Familial hypokalemia-hypomagnesemia. Review status: criteria provided, single submitter. Criteria: ACMG Guidelines, 2015. Collection method: clinical testing. Allele origin: germline.
Comment: Absent from controls (or at extremely low frequency if recessive) in Genome Aggregation Database.;Null variant in a gene where loss of function (LOF) is a known mechanism of disease.;For recessive disorders, detected in trans with a pathogenic variant.;Patient's phenotype or family history is highly specific for a disease with a single genetic etiology.;Co-segregation with disease in multiple affected family members.

Literature cited by the submitters: PubMed 8528245 (cited by 3billion and Labcorp Genetics (formerly Invitae), Labcorp); PubMed 9734597 (cited by 3billion and Labcorp Genetics (formerly Invitae), Labcorp); PubMed 12911530 (cited by Labcorp Genetics (formerly Invitae), Labcorp); PubMed 26770037 (cited by Labcorp Genetics (formerly Invitae), Labcorp); PubMed 29942493 (cited by Labcorp Genetics (formerly Invitae), Labcorp); PubMed 22009145 (cited by Natera, Inc.); PubMed 21415153 (cited by Natera, Inc.); PubMed 8865231 (cited by Natera, Inc.).